The following is an entry in ClinVar:

ClinVar aggregate classification (germline): Likely benign. Review status: criteria provided, multiple submitters, no conflicts (2 of 4 stars). 3 submissions from 3 submitters: Likely benign (2). 1 of the submissions does not count toward it. Last evaluated 2024-03-01.

Conditions:
Vanishing white matter disease. Also called: Childhood ataxia with diffuse central nervous system hypomyelination; Leukoencephalopathy with vanishing white matter; CACH/VWM syndrome; Cree leukoencehalopathy; CACH syndrome. Identifiers: Orphanet 135, Orphanet 99853, MedGen C1858991, MONDO:0800448.

Allele frequency attached by ClinVar (database versions not stated): TOPMed below 0.00001; ExAC 0.00001; gnomAD exomes 0.00001 and 0.00003.
gnomAD v4.1: 47 of 1,614,054 alleles (0.0029%); highest among the groups gnomAD compares: Admixed American, 0.0033%; no homozygotes.

Submissions (3):

CeGaT Center for Human Genetics Tuebingen
Classification: Likely benign. Last evaluated: 2024-03-01. Review status: criteria provided, single submitter. Criteria: CeGaT Center For Human Genetics Tuebingen Variant Classification Criteria Version 2. Collection method: clinical testing. Allele origin: germline. Affected: yes. Observed: 1 variant allele.
Comment: EIF2B5: BP4, BP7

Labcorp Genetics (formerly Invitae), Labcorp
Classification: Likely benign. Last evaluated: 2024-02-11. Review status: criteria provided, single submitter. Criteria: Invitae Variant Classification Sherloc (09022015). Collection method: clinical testing. Allele origin: germline.

Natera, Inc.
Classification: Likely benign for Leukoencephalopathy with vanishing white matter. Last evaluated: 2021-09-10. Review status: no assertion criteria provided. Collection method: clinical testing. Allele origin: germline. Not counted in ClinVar's aggregate classification.

NM_003907.3(EIF2B5):c.1143C>T (p.Pro381=)

Gene: EIF2B5 (eukaryotic translation initiation factor 2B subunit epsilon; plus strand). Cytogenetic location: 3q27.1.
Variant type: single nucleotide variant.
Coding change: c.1143C>T on transcript NM_003907.3 (MANE Select); coding-DNA position 1143, C replaced by T.
Protein change: p.Pro381=; no amino-acid change (proline 381 retained).
Molecular consequence: synonymous variant.
Genome position (GRCh38, 1-based): chr3:184,140,717, C>T. VCF-style: chr3-184140717-C-T. GRCh37 (hg19) VCF-style: chr3-183858505-C-T.
Identifiers: ClinVar variation 1112170 (VCV001112170.31), dbSNP rs748745866, ClinGen allele CA2726589.